The following is an entry in ClinVar:

NM_003072.5(SMARCA4):c.1509A>G (p.Ala503=)

Gene: SMARCA4 (SWI/SNF related BAF chromatin remodeling complex subunit ATPase 4; plus strand). Cytogenetic location: 19p13.2.
Variant type: single nucleotide variant.
Coding change: c.1509A>G on transcript NM_003072.5 (MANE Select); coding-DNA position 1509, A replaced by G.
Protein change: p.Ala503=; no amino-acid change (alanine 503 retained).
Molecular consequence: synonymous variant. On other transcripts: non-coding transcript variant (1).
Genome position (GRCh38, 1-based): chr19:10,994,917, A>G. VCF-style: chr19-10994917-A-G. GRCh37 (hg19) VCF-style: chr19-11105593-A-G.
Other names: p.Ala503=; c.1509A>G (NM_001128849.2); c.1509A>G, p.Ala503= (NM_001128844.3, NM_001128845.2, NM_001128846.2 and 5 more transcripts).
Identifiers: ClinVar variation 126358 (VCV000126358.31), dbSNP rs17001075, ClinGen allele CA151108.

ClinVar aggregate classification (germline): Benign/Likely benign. Review status: criteria provided, multiple submitters, no conflicts (2 of 4 stars). 11 submissions from 11 submitters: Benign (9); Likely benign (1). 1 of the submissions does not count toward it. Last evaluated 2026-07-10.

Conditions:
Rhabdoid tumor predisposition syndrome 2 (RTPS2). Identifiers: Orphanet 231108, Orphanet 69077, MedGen C2750074, MONDO:0013224, OMIM 613325.
Intellectual disability, autosomal dominant 16 (CSS4). Also called: COFFIN-SIRIS SYNDROME 4. Identifiers: Orphanet 1465, MedGen C3553249, MONDO:0013821, OMIM 614609.
Otosclerosis 12. Identifiers: MedGen C5935610, MONDO:0968980, OMIM 620792.
Coffin-Siris syndrome. Identifiers: Orphanet 1465, MedGen C0265338, MONDO:0015452.
Hereditary cancer-predisposing syndrome. Also called: Neoplastic Syndromes, Hereditary; Tumor predisposition; Hereditary neoplastic syndrome; Hereditary Cancer Syndrome. Identifiers: Orphanet 140162, MedGen C0027672, MeSH D009386, MONDO:0015356.

Allele frequency attached by ClinVar (database versions not stated): TOPMed 0.02931; 1000 Genomes Project 0.01378; 1000 Genomes Project 30x 0.01421; gnomAD exomes 0.02512; ExAC 0.02529; ESP Exome Variant Server 0.03529; gnomAD 0.03015 and 0.02905.
gnomAD v4.1: 59,197 of 1,614,068 alleles (3.7%); highest among the groups gnomAD compares: Non-Finnish European, 4.4%; 1,380 homozygotes.

Submissions (11):

Myriad Genetics, Inc.
Classification: Benign for Rhabdoid tumor predisposition syndrome 2. Last evaluated: 2026-07-10. Review status: criteria provided, single submitter. Criteria: Myriad Autosomal Dominant, Autosomal Recessive and X-Linked Classification Criteria (2023). Collection method: clinical testing. Allele origin: unknown.
Comment: This variant is considered benign. This variant is a silent/synonymous amino acid change and it is not expected to impact splicing.

Labcorp Genetics (formerly Invitae), Labcorp
Classification: Benign for Rhabdoid tumor predisposition syndrome 2. Last evaluated: 2026-02-04. Review status: criteria provided, single submitter. Criteria: Invitae Variant Classification Sherloc (09022015). Collection method: clinical testing. Allele origin: germline.

Mayo Clinic Laboratories, Mayo Clinic
Classification: Likely benign. Last evaluated: 2025-09-02. Review status: criteria provided, single submitter. Criteria: ACMG Guidelines, 2015. Collection method: clinical testing. Allele origin: germline. Observed: 19 variant alleles.
Comment: BS1, BP4, BP7

Quest Diagnostics Nichols Institute San Juan Capistrano
Classification: Benign. Last evaluated: 2025-03-28. Review status: criteria provided, single submitter. Criteria: Quest Diagnostics criteria. Collection method: clinical testing. Allele origin: unknown.

Department of Pathology and Laboratory Medicine, Sinai Health System
Classification: Benign for Rhabdoid tumor predisposition syndrome 2; Intellectual disability, autosomal dominant 16; Otosclerosis 12. Last evaluated: 2022-06-21. Review status: criteria provided, single submitter. Criteria: ACMG Guidelines, 2015. Collection method: clinical testing. Allele origin: germline. Affected: yes.

Genome-Nilou Lab
Classification: Benign for Intellectual disability, autosomal dominant 16. Last evaluated: 2021-07-15. Review status: criteria provided, single submitter. Criteria: ACMG Guidelines, 2015. Collection method: clinical testing. Allele origin: germline. Affected: no.

Illumina Laboratory Services, Illumina
Classification: Benign for Coffin-Siris syndrome. Last evaluated: 2018-01-13. Review status: criteria provided, single submitter. Criteria: ICSL Variant Classification Criteria 13 December 2019. Collection method: clinical testing. Allele origin: germline.
Comment: This variant was observed in the ICSL laboratory as part of a predisposition screen in an ostensibly healthy population. It had not been previously curated by ICSL or reported in the Human Gene Mutation Database (HGMD: prior to June 1st, 2018), and was therefore a candidate for classification through an automated scoring system. Utilizing variant allele frequency, disease prevalence and penetrance estimates, and inheritance mode, an automated score was calculated to assess if this variant is too frequent to cause the disease. Based on the score and internal cut-off values, a variant classified as benign is not then subjected to further curation. The score for this variant resulted in a classification of benign for this disease.

GeneDx
Classification: Benign. Last evaluated: 2017-06-30. Review status: criteria provided, single submitter. Criteria: GeneDx Variant Classification (06012015). Collection method: clinical testing. Allele origin: germline. Affected: yes.
Comment: This variant is considered likely benign or benign based on one or more of the following criteria: it is a conservative change, it occurs at a poorly conserved position in the protein, it is predicted to be benign by multiple in silico algorithms, and/or has population frequency not consistent with disease.

Ambry Genetics
Classification: Benign for Hereditary cancer-predisposing syndrome. Last evaluated: 2015-05-20. Review status: criteria provided, single submitter. Criteria: Ambry Variant Classification Scheme 2023. Collection method: clinical testing. Allele origin: germline.

Breakthrough Genomics
Classification: Benign. Review status: criteria provided, single submitter. Criteria: ACMG Guidelines, 2015. Collection method: not provided. Allele origin: germline. Inheritance: Autosomal dominant inheritance. Affected: yes.

Genetic Services Laboratory, University of Chicago
Classification: Likely benign for AllHighlyPenetrant. Review status: no assertion criteria provided. Collection method: clinical testing. Allele origin: germline. Inheritance: Autosomal dominant inheritance. Observed: 9 variant alleles. Not counted in ClinVar's aggregate classification.
Comment: Likely benign based on allele frequency in 1000 Genomes Project or ESP global frequency and its presence in a patient with a rare or unrelated disease phenotype. NOT Sanger confirmed.

Literature cited by the submitters: PubMed 21280140 (cited by Quest Diagnostics Nichols Institute San Juan Capistrano).